The following is an entry in ClinVar:

NM_000135.4(FANCA):c.3719_3732del (p.Glu1240fs)

Gene: FANCA (FA complementation group A; minus strand). Cytogenetic location: 16q24.3.
Variant type: Deletion.
Coding change: c.3719_3732del on transcript NM_000135.4 (MANE Select); coding-DNA positions 3719 to 3732, 14 bases deleted (AAAACATCAGGAAG).
Protein change: p.Glu1240fs; shifts the reading frame from glutamic acid 1240.
Molecular consequence: frameshift variant.
Genome position (GRCh38, 1-based): chr16:89,742,833-89,742,846, CTTCCTGATGTTTT deleted on the plus strand (AAAACATCAGGAAG on the coding strand, the reverse complement: FANCA is on the minus strand); deleting any 14 consecutive bases within chr16:89,742,833-89,742,851 gives the same sequence; the c. name uses the placement nearest the transcript's 3' end. VCF-style (leftmost placement, unchanged base first): chr16-89742832-GCTTCCTGATGTTTT-G. GRCh37 (hg19) VCF-style: chr16-89809240-GCTTCCTGATGTTTT-G.
Other names: c.3719_3732del, p.Glu1240fs (NM_001286167.3); short protein forms E1240fs.
Identifiers: ClinVar variation 5004493 (VCV005004493.1).

ClinVar aggregate classification (germline): Pathogenic (1 of 4 stars; one submission).

Conditions:
Fanconi anemia complementation group A (FANCA). Also called: FANCA-Related Fanconi Anemia; Fanconi anemia, group A. Identifiers: Orphanet 84, MedGen C3469521, MONDO:0009215, OMIM 227650.

Submission:

Myriad Genetics, Inc.
Classification: Pathogenic for Fanconi anemia complementation group A. Last evaluated: 2026-02-27. Review status: criteria provided, single submitter. Criteria: Myriad Autosomal Dominant, Autosomal Recessive and X-Linked Classification Criteria (2023). Collection method: clinical testing. Allele origin: unknown.
Comment: NM_000135.2(FANCA):c.3719_3732del14(E1240Afs*33) is a frameshift variant classified as pathogenic in the context of Fanconi anemia complementation group A. E1240Afs*33 has not been observed in cases with relevant disease. Relevant functional assessments of this variant are not available in the literature. E1240Afs*33 has not been observed in referenced population frequency databases. In summary, NM_000135.2(FANCA):c.3719_3732del14(E1240Afs*33) is a frameshift variant in a gene where loss of function is a known mechanism of disease and is predicted to disrupt protein function. Please note: this variant was assessed in the context of healthy population screening.